The following is an entry in ClinVar:

NM_003803.4(MYOM1):c.3665A>G (p.Tyr1222Cys)

Gene: MYOM1 (myomesin 1; minus strand). Cytogenetic location: 18p11.31.
Variant type: single nucleotide variant.
Coding change: c.3665A>G on transcript NM_003803.4 (MANE Select); coding-DNA position 3665, A replaced by G.
Protein change: p.Tyr1222Cys; replaces tyrosine 1222 with cysteine.
Molecular consequence: missense variant.
Genome position (GRCh38, 1-based): chr18:3,100,337, T>C on the plus strand (A>G on the coding strand, the complement: MYOM1 is on the minus strand). VCF-style: chr18-3100337-T-C. GRCh37 (hg19) VCF-style: chr18-3100335-T-C.
Other names: c.3377A>G, p.Tyr1126Cys (NM_019856.2); short protein forms Y1222C, Y1126C.
Identifiers: ClinVar variation 505153 (VCV000505153.20), dbSNP rs748819463, ClinGen allele CA8874223.
Genomic context (GRCh38, chr18:3,100,337, plus strand): 5'-CAAAGCAACATTCGATGTGTGAATGCACTGATTTTAAACTTACCTTCCTCATCTATTAAG[T>C]AGCTTGATGCTATTCCATCAGTGTCTGTTACATCGCAAGAGTAAATACCCAAGTCATCCA-3'
Protein context (NP_003794.3, residues 1212-1232): VTDTDGIASS[Tyr1222Cys]LIDEEELKRL

ClinVar aggregate classification (germline): Conflicting classifications of pathogenicity. Review status: criteria provided, conflicting classifications (1 of 4 stars). 4 submissions from 4 submitters: Uncertain significance (3); Likely benign (1). Last evaluated 2026-01-14.

Conditions:
Hypertrophic cardiomyopathy. Also called: HYPERTROPHIC MYOCARDIOPATHY. Identifiers: Orphanet 217569, MedGen C0007194, MeSH D002312, MONDO:0005045, HP:0001639.

Allele frequency attached by ClinVar (database versions not stated): gnomAD exomes 0.00002 and 0.00009; ExAC 0.00008; gnomAD 0.00008; TOPMed 0.00010.
gnomAD v4.1: 47 of 1,613,818 alleles (0.0029%); highest among the groups gnomAD compares: East Asian, 0.056%; no homozygotes.

Submissions (4):

Labcorp Genetics (formerly Invitae), Labcorp
Classification: Likely benign for Hypertrophic cardiomyopathy. Last evaluated: 2026-01-14. Review status: criteria provided, single submitter. Criteria: Invitae Variant Classification Sherloc (09022015). Collection method: clinical testing. Allele origin: germline.

Ambry Genetics
Classification: Uncertain significance. Last evaluated: 2025-08-06. Review status: criteria provided, single submitter. Criteria: Ambry Variant Classification Scheme 2023. Collection method: clinical testing. Allele origin: germline.
Comment: The p.Y1222C variant (also known as c.3665A>G), located in coding exon 23 of the MYOM1 gene, results from an A to G substitution at nucleotide position 3665. The tyrosine at codon 1222 is replaced by cysteine, an amino acid with highly dissimilar properties. This amino acid position is conserved. In addition, the in silico prediction for this alteration is inconclusive. Since supporting evidence is limited at this time, the clinical significance of this alteration remains unclear.

Fulgent Genetics
Classification: Uncertain significance. Last evaluated: 2018-10-31. Review status: criteria provided, single submitter. Criteria: ACMG Guidelines, 2015. Collection method: clinical testing. Allele origin: unknown.

Laboratory for Molecular Medicine, Mass General Brigham Personalized Medicine
Classification: Uncertain significance. Last evaluated: 2016-06-16. Review status: criteria provided, single submitter. Criteria: LMM Criteria. Collection method: clinical testing. Allele origin: germline. Observed: 2 variant alleles.
Comment: The p.Tyr1222Cys variant in MYOM1 has not been previously reported in individual s with cardiomyopathy, but has been identified in 9/8514 East Asian chromosomes by the Exome Aggregation Consortium (ExAC; dbSNP rs748819463). Computational prediction tools and conservation analysis suggest that the p.Tyr1222Cys variant may impact the protein, though this information is not predictive enough to determine pathogenicity. In summary, the clinical sign ificance of the p.Tyr1222Cys variant is uncertain.